The following is an entry in ClinVar:

NM_000444.6(PHEX):c.425G>T (p.Cys142Phe)

Gene: PHEX (phosphate regulating endopeptidase X-linked; plus strand). Cytogenetic location: Xp22.11.
Variant type: single nucleotide variant.
Coding change: c.425G>T on transcript NM_000444.6 (MANE Select); coding-DNA position 425, G replaced by T.
Protein change: p.Cys142Phe; replaces cysteine 142 with phenylalanine.
Molecular consequence: missense variant.
Genome position (GRCh38, 1-based): chrX:22,076,463, G>T. VCF-style: chrX-22076463-G-T. GRCh37 (hg19) VCF-style: chrX-22094581-G-T.
Other names: c.425G>T, p.Cys142Phe (NM_001282754.2); short protein forms C142F.
Identifiers: ClinVar variation 860028 (VCV000860028.9), dbSNP rs1064797048, ClinGen allele CA412571184.

ClinVar aggregate classification (germline): Pathogenic (1 of 4 stars; one submission).

Submission:

Labcorp Genetics (formerly Invitae), Labcorp
Classification: Pathogenic. Last evaluated: 2023-07-28. Review status: criteria provided, single submitter. Criteria: Invitae Variant Classification Sherloc (09022015). Collection method: clinical testing. Allele origin: germline.
Comment: For these reasons, this variant has been classified as Pathogenic. This variant disrupts the p.Cys142 amino acid residue in PHEX. Other variant(s) that disrupt this residue have been observed in individuals with PHEX-related conditions (PMID: 25086671), which suggests that this may be a clinically significant amino acid residue. Advanced modeling of protein sequence and biophysical properties (such as structural, functional, and spatial information, amino acid conservation, physicochemical variation, residue mobility, and thermodynamic stability) performed at Invitae indicates that this missense variant is expected to disrupt PHEX protein function. ClinVar contains an entry for this variant (Variation ID: 860028). This missense change has been observed in individual(s) with PHEX-related conditions (PMID: 10439971; Invitae). In at least one individual the variant was observed to be de novo. This variant is not present in population databases (gnomAD no frequency). This sequence change replaces cysteine, which is neutral and slightly polar, with phenylalanine, which is neutral and non-polar, at codon 142 of the PHEX protein (p.Cys142Phe).

Literature cited by the submitters: PubMed 25086671; PubMed 10439971.